The following is an entry in ClinVar:

ClinVar aggregate classification (germline): Uncertain significance (1 of 4 stars; one submission).

Allele frequency attached by ClinVar (database versions not stated): ExAC 0.00001; gnomAD 0.00001.
gnomAD v4.1: 3 of 1,613,676 alleles (0.00019%); highest among the groups gnomAD compares: East Asian, 0.0067%; no homozygotes.

Submission:

Labcorp Genetics (formerly Invitae), Labcorp
Classification: Uncertain significance. Last evaluated: 2023-02-17. Review status: criteria provided, single submitter. Criteria: Invitae Variant Classification Sherloc (09022015). Collection method: clinical testing. Allele origin: germline.
Comment: This sequence change replaces valine, which is neutral and non-polar, with glycine, which is neutral and non-polar, at codon 395 of the SRP54 protein (p.Val395Gly). This variant is present in population databases (rs758058844, gnomAD 0.01%). This variant has not been reported in the literature in individuals affected with SRP54-related conditions. Advanced modeling of protein sequence and biophysical properties (such as structural, functional, and spatial information, amino acid conservation, physicochemical variation, residue mobility, and thermodynamic stability) performed at Invitae indicates that this missense variant is not expected to disrupt SRP54 protein function. In summary, the available evidence is currently insufficient to determine the role of this variant in disease. Therefore, it has been classified as a Variant of Uncertain Significance.

NM_003136.4(SRP54):c.1184T>G (p.Val395Gly)

Gene: SRP54 (signal recognition particle 54; plus strand). Cytogenetic location: 14q13.2.
Variant type: single nucleotide variant.
Coding change: c.1184T>G on transcript NM_003136.4 (MANE Select); coding-DNA position 1184, T replaced by G.
Protein change: p.Val395Gly; replaces valine 395 with glycine.
Molecular consequence: missense variant. On other transcripts: intron variant (1).
Genome position (GRCh38, 1-based): chr14:35,022,937, T>G. VCF-style: chr14-35022937-T-G. GRCh37 (hg19) VCF-style: chr14-35492143-T-G.
Other names: c.1037T>G, p.Val346Gly (NM_001146282.2); c.1156+3863T>G (NM_001411017.1); short protein forms V395G, V346G.
Identifiers: ClinVar variation 2836832 (VCV002836832.3), dbSNP rs758058844, ClinGen allele CA7153804.